The following is an entry in ClinVar:

ClinVar aggregate classification (germline): Pathogenic (1 of 4 stars; one submission).

Conditions:
Ehlers-Danlos syndrome, dermatosparaxis type. Also called: EDS VIIC; Dermatosparaxis; Ehlers-Danlos syndrome, type VII, autosomal recessive. Identifiers: Orphanet 1901, MedGen C2700425, MONDO:0009161, OMIM 225410.

Submission:

Myriad Genetics, Inc.
Classification: Pathogenic for Ehlers-Danlos syndrome, dermatosparaxis type. Last evaluated: 2024-05-14. Review status: criteria provided, single submitter. Criteria: Myriad Autosomal Dominant, Autosomal Recessive and X-Linked Classification Criteria (2023). Collection method: clinical testing. Allele origin: unknown.
Comment: NM_014244.4(ADAMTS2):c.86_87ins19(P30Dfs*42) is expected to be pathogenic in the context of Ehlers-Danlos syndrome, ADAMTS2-related. This variant is predicted to lead to an abnormal or absent protein product due to the creation of a premature termination codon in ADAMTS2, a gene where loss-of-function variants are known to be pathogenic. Please note: this variant was assessed in the context of healthy population screening.

NM_014244.5(ADAMTS2):c.86_87insAGATGTGTATAAGAGACAG (p.Pro30fs)

Gene: ADAMTS2 (ADAM metallopeptidase with thrombospondin type 1 motif 2; minus strand). Cytogenetic location: 5q35.3.
Variant type: Insertion.
Coding change: c.86_87insAGATGTGTATAAGAGACAG on transcript NM_014244.5 (MANE Select); coding-DNA positions 86 to 87, AGATGTGTATAAGAGACAG inserted.
Protein change: p.Pro30fs; shifts the reading frame from proline 30.
Molecular consequence: frameshift variant.
Genome position: GRCh38 VCF-style: chr5-179345242-C-CCTGTCTCTTATACACATCT. GRCh37 (hg19) VCF-style: chr5-178772243-C-CCTGTCTCTTATACACATCT.
Other names: c.86_87insAGATGTGTATAAGAGACAG, p.Pro30fs (NM_021599.4); short protein forms P30fs.
Identifiers: ClinVar variation 5010934 (VCV005010934.1).